The following is an entry in ClinVar:

NM_173842.3(IL1RN):c.272G>T (p.Cys91Phe)

Gene: IL1RN (interleukin 1 receptor antagonist; plus strand). Cytogenetic location: 2q14.1.
Variant type: single nucleotide variant.
Coding change: c.272G>T on transcript NM_173842.3 (MANE Select); coding-DNA position 272, G replaced by T.
Protein change: p.Cys91Phe; replaces cysteine 91 with phenylalanine.
Molecular consequence: missense variant.
Genome position (GRCh38, 1-based): chr2:113,131,111, G>T. VCF-style: chr2-113131111-G-T. GRCh37 (hg19) VCF-style: chr2-113888688-G-T.
Other names: c.218G>T, p.Cys73Phe (NM_000577.5); c.170G>T, p.Cys57Phe (NM_001318914.2, NM_001379360.1, NM_173843.3); c.281G>T, p.Cys94Phe (NM_173841.3); short protein forms C94F, C57F, C91F, C73F.
Identifiers: ClinVar variation 581626 (VCV000581626.58), dbSNP rs201638660, ClinGen allele CA1838849.

ClinVar aggregate classification (germline): Uncertain significance. Review status: criteria provided, multiple submitters, no conflicts (2 of 4 stars). 7 submissions from 7 submitters: Uncertain significance (7). Last evaluated 2024-09-23.

Conditions:
Sterile multifocal osteomyelitis with periostitis and pustulosis. Also called: CHRONIC RECURRENT MULTIFOCAL OSTEOMYELITIS 2, WITH PERIOSTITIS AND PUSTULOSIS. Identifiers: Orphanet 210115, MedGen C2748507, MONDO:0013021, OMIM 612852.
Autoinflammatory syndrome. Identifiers: Orphanet 93665, MedGen C3890737, MONDO:0019751.

Allele frequency attached by ClinVar (database versions not stated): ESP Exome Variant Server 0.00015; gnomAD exomes 0.00021; TOPMed 0.00021; ExAC 0.00025; gnomAD 0.00025 and 0.00027.
gnomAD v4.1: 343 of 1,613,762 alleles (0.021%); highest among the groups gnomAD compares: Middle Eastern, 0.049%; no homozygotes.

Submissions (7):

Blueprint Genetics
Classification: Uncertain significance. Last evaluated: 2024-09-23. Review status: criteria provided, single submitter. Criteria: ACMG Guidelines, 2015. Collection method: clinical testing. Allele origin: germline.

Labcorp Genetics (formerly Invitae), Labcorp
Classification: Uncertain significance for Sterile multifocal osteomyelitis with periostitis and pustulosis. Last evaluated: 2022-11-01. Review status: criteria provided, single submitter. Criteria: Invitae Variant Classification Sherloc (09022015). Collection method: clinical testing. Allele origin: germline.
Comment: This sequence change replaces cysteine, which is neutral and slightly polar, with phenylalanine, which is neutral and non-polar, at codon 94 of the IL1RN protein (p.Cys94Phe). This variant is present in population databases (rs201638660, gnomAD 0.04%). This missense change has been observed in individual(s) with chronic multifocal osteomyelitis (PMID: 22032624). ClinVar contains an entry for this variant (Variation ID: 581626). Algorithms developed to predict the effect of missense changes on protein structure and function (SIFT, PolyPhen-2, Align-GVGD) all suggest that this variant is likely to be disruptive. In summary, the available evidence is currently insufficient to determine the role of this variant in disease. Therefore, it has been classified as a Variant of Uncertain Significance.

Genome Diagnostics Laboratory, The Hospital for Sick Children
Classification: Uncertain significance for Autoinflammatory syndrome. Last evaluated: 2020-01-01. Review status: criteria provided, single submitter. Criteria: ACMG Guidelines, 2015. Collection method: clinical testing. Allele origin: germline. Affected: yes.

Dubai Health Genomic Medicine Center, Dubai Health
Classification: Uncertain significance for Sterile multifocal osteomyelitis with periostitis and pustulosis. Last evaluated: 2019-12-23. Review status: criteria provided, single submitter. Criteria: ACMG Guidelines, 2015. Collection method: clinical testing. Allele origin: germline. Affected: yes.
Comment: The p.Cys94Phe missense variant has been reported in the heterozygous state in a patient with chronic multifocal osteomyelitis (CNO)11. It has also been identified in 60/282868 (0.021% 0 homozygotes) total alleles in the general population (gnomAD). Conservation analysis and computational tools predict an impact to protein function however this information is not predictive enough to confirm pathogenicity. In summary more information is needed to determine the clinical significance of this variant. Bi-allelic loss-of-function variants in ILRN1 have been associated with deficiency of the interleukin-1–receptor antagonist or DIRA an autosomal recessive autoinflammatory condition involving skin and bone involvement. It is characterized by early onset generalized pustulosis multifocal osteomyelitis and elevation of acute phase reactants1213.

CeGaT Center for Human Genetics Tuebingen
Classification: Uncertain significance. Last evaluated: 2018-11-01. Review status: criteria provided, single submitter. Criteria: CeGaT Center For Human Genetics Tuebingen Variant Classification Criteria Version 2. Collection method: clinical testing. Allele origin: germline. Affected: yes. Observed: 1 variant allele.

Illumina Laboratory Services, Illumina
Classification: Uncertain significance for Sterile multifocal osteomyelitis with periostitis and pustulosis. Last evaluated: 2017-04-27. Review status: criteria provided, single submitter. Criteria: ICSL Variant Classification Criteria 13 December 2019. Collection method: clinical testing. Allele origin: germline.
Comment: This variant was observed as part of a predisposition screen in an ostensibly healthy population. A literature search was performed for the gene, cDNA change, and amino acid change (where applicable). Publications were found based on this search. However, the evidence from the literature, in combination with allele frequency data from public databases where available, was not sufficient to rule this variant in or out of causing disease. Therefore, this variant is classified as a variant of unknown significance.

Breakthrough Genomics
Classification: Uncertain significance. Review status: criteria provided, single submitter. Criteria: ACMG Guidelines, 2015. Collection method: not provided. Allele origin: germline. Inheritance: Autosomal recessive inheritance. Affected: yes.

Literature cited by the submitters: PubMed 22032624 (cited by Labcorp Genetics (formerly Invitae), Labcorp and Illumina Laboratory Services, Illumina).